The following is an entry in ClinVar:

NM_198578.4(LRRK2):c.2984G>A (p.Arg995Lys)

Gene: LRRK2 (leucine rich repeat kinase 2; plus strand). Cytogenetic location: 12q12.
Variant type: single nucleotide variant.
Coding change: c.2984G>A on transcript NM_198578.4 (MANE Select); coding-DNA position 2984, G replaced by A.
Protein change: p.Arg995Lys; replaces arginine 995 with lysine.
Molecular consequence: missense variant.
Genome position (GRCh38, 1-based): chr12:40,295,532, G>A. VCF-style: chr12-40295532-G-A. GRCh37 (hg19) VCF-style: chr12-40689334-G-A.
Other names: short protein forms R995K.
Identifiers: ClinVar variation 2567328 (VCV002567328.2), dbSNP rs1944349091, ClinGen allele CA384412724.

ClinVar aggregate classification (germline): Uncertain significance (1 of 4 stars; one submission).

Conditions:
Inborn genetic diseases. Identifiers: MedGen C0950123, MeSH D030342.

Allele frequency attached by ClinVar (database versions not stated): gnomAD 0.00001.
gnomAD v4.1: 1 of 1,613,846 alleles (0.000062%); highest among the groups gnomAD compares: Admixed American, 0.0017%; no homozygotes.

Submission:

Ambry Genetics
Classification: Uncertain significance for Inborn genetic diseases. Last evaluated: 2023-03-20. Review status: criteria provided, single submitter. Criteria: Ambry Variant Classification Scheme 2023. Collection method: clinical testing. Allele origin: germline.
Comment: The p.R995K variant (also known as c.2984G>A), located in coding exon 23 of the LRRK2 gene, results from a G to A substitution at nucleotide position 2984. The arginine at codon 995 is replaced by lysine, an amino acid with highly similar properties. This amino acid position is conserved. In addition, this alteration is predicted to be tolerated by in silico analysis. Since supporting evidence is limited at this time, the clinical significance of this alteration remains unclear.